The following is an entry in ClinVar:

NM_001385641.1(SAMD11):c.1609C>A (p.Gln537Lys)

Gene: SAMD11 (sterile alpha motif domain containing 11; plus strand). Cytogenetic location: 1p36.33.
Variant type: single nucleotide variant.
Coding change: c.1609C>A on transcript NM_001385641.1 (MANE Select); coding-DNA position 1609, C replaced by A.
Protein change: p.Gln537Lys; replaces glutamine 537 with lysine.
Molecular consequence: missense variant.
Genome position (GRCh38, 1-based): chr1:942,614, C>A. VCF-style: chr1-942614-C-A. GRCh37 (hg19) VCF-style: chr1-877994-C-A.
Other names: c.1612C>A, p.Gln538Lys (NM_001385640.1); c.1120C>A, p.Gln374Lys (NM_152486.4); short protein forms Q374K, Q537K, Q538K.
Identifiers: ClinVar variation 860480 (VCV000860480.7), dbSNP rs749005506, ClinGen allele CA502977.
Genomic context (GRCh38, chr1:942,614, plus strand): 5'-CCCAGGCTGGAGCTGCCCGCCGACCTCCTGCGGCAGAAGGAGCTGGAGAGCGCGCGCCCA[C>A]AGCTGCTGGCGCCCGAGACCGCCCTGCGCCCCAACGACGGCGCCGAGGAGCTGCAGCGGC-3'
Protein context (NP_001372570.1, residues 527-547): RQKELESARP[Gln537Lys]LLAPETALRP

ClinVar aggregate classification (germline): Uncertain significance. Review status: criteria provided, multiple submitters, no conflicts (2 of 4 stars). 2 submissions from 2 submitters: Uncertain significance (2). Last evaluated 2025-03-10.

Allele frequency attached by ClinVar (database versions not stated): ExAC 0.00041; TOPMed 0.00014; gnomAD 0.00011; gnomAD exomes 0.00007.
gnomAD v4.1: 279 of 1,438,062 alleles (0.019%); highest among the groups gnomAD compares: Non-Finnish European, 0.024%; no homozygotes.

Submissions (2):

Ambry Genetics
Classification: Uncertain significance. Last evaluated: 2025-03-10. Review status: criteria provided, single submitter. Criteria: Ambry Variant Classification Scheme 2023. Collection method: clinical testing. Allele origin: germline.

Labcorp Genetics (formerly Invitae), Labcorp
Classification: Uncertain significance. Last evaluated: 2022-08-21. Review status: criteria provided, single submitter. Criteria: Invitae Variant Classification Sherloc (09022015). Collection method: clinical testing. Allele origin: germline.
Comment: This sequence change replaces glutamine, which is neutral and polar, with lysine, which is basic and polar, at codon 374 of the SAMD11 protein (p.Gln374Lys). The frequency data for this variant in the population databases is considered unreliable, as metrics indicate poor data quality at this position in the gnomAD database. This variant has not been reported in the literature in individuals affected with SAMD11-related conditions. ClinVar contains an entry for this variant (Variation ID: 860480). Algorithms developed to predict the effect of missense changes on protein structure and function (SIFT, PolyPhen-2, Align-GVGD) all suggest that this variant is likely to be tolerated. In summary, the available evidence is currently insufficient to determine the role of this variant in disease. Therefore, it has been classified as a Variant of Uncertain Significance.